The following is an entry in ClinVar:

NM_015506.3(MMACHC):c.445_446del (p.Cys149fs)

Gene: MMACHC (metabolism of cobalamin associated C; plus strand). Cytogenetic location: 1p34.1.
Variant type: Microsatellite.
Coding change: c.445_446del on transcript NM_015506.3 (MANE Select); coding-DNA positions 445 to 446, 2 bases deleted (TG; older notation c.445_446delTG).
Protein change: p.Cys149fs; shifts the reading frame from cysteine 149.
Molecular consequence: frameshift variant.
Genome position (GRCh38, 1-based): chr1:45,508,811-45,508,812, TG deleted; deleting any 2 consecutive bases within chr1:45,508,806-45,508,812 gives the same sequence; the c. name uses the placement nearest the transcript's 3' end. VCF-style (leftmost placement, unchanged base first): chr1-45508805-GGT-G. GRCh37 (hg19) VCF-style: chr1-45974477-GGT-G.
Other names: c.445_446delTG (NM_015506.3); c.274_275del, p.Cys92fs (NM_001330540.2); c.445_446del (NM_015506.2); short protein forms C92fs, C149fs.
Identifiers: ClinVar variation 203834 (VCV000203834.22), dbSNP rs796051999, ClinGen allele CA312741.
Genomic context (GRCh38, chr1:45,508,805, plus strand): 5'-TTGGTGCCAAGGGGACCTCCATGACCTTGCTTTTCTTCACCCTCTCCCCAGCGCATATCA[GGT>G]GTGTGCATACACCCCCGATTTGGGGGCTGGTTTGCCATCCGAGGGGTAGTGCTGCTGCCA-3'

ClinVar aggregate classification (germline): Pathogenic. Review status: criteria provided, multiple submitters, no conflicts (2 of 4 stars). 8 submissions from 8 submitters: Pathogenic (7). 1 of the submissions does not count toward it. Last evaluated 2025-02-18.

Conditions:
MMACHC-related disorder. Also called: MMACHC-related condition.
Cobalamin C disease. Also called: Methylmalonic aciduria and homocystinuria, Vitamin B12-responsive; Vitamin B12 metabolic defect with combined deficiency of methylmalonyl-CoA mutase and homocysteine:methyltetrahydrofolate methyltransferase; Methylmalonic aciduria with homocystinuria cblC type; Cobalamin-C methylmalonic acidemia and homocystinuria; Methylmalonic acidemia and homocystinuria cblC type; methylmalonic aciduria and homocystinuria type cblC. Identifiers: Orphanet 26, Orphanet 79282, MedGen C1848561, MONDO:0010184, OMIM 277400.

Submissions (8):

Natera, Inc.
Classification: Pathogenic for Methylmalonic aciduria and homocystinuria cblC type. Last evaluated: 2025-02-18. Review status: criteria provided, single submitter. Criteria: Natera Variant Classification Schema (03/2026). Collection method: clinical testing. Allele origin: germline.
Comment: The c.445_446delTG variant in MMACHC is a frameshift variant predicted to shift the reading frame beginning at codon 149 and leads to a stop codon 32 codons downstream. This variant is expected to result in nonsense mediated decay, truncation, or a dysfunctional protein product. This variant is rare in the general population with a frequency below the threshold expected for the associated phenotype(s). This variant has been observed in one or more individuals affected with the associated recessive disease, as either homozygous or compound heterozygous with a second variant (PMID: 31278756, 29374341). Additionally, this variant has been observed to segregate in affected family members (PMID: 29374341). Given the available evidence, this variant is classified as Pathogenic.

Women's Health and Genetics/Laboratory Corporation of America, LabCorp
Classification: Pathogenic for Cobalamin C disease. Last evaluated: 2024-05-22. Review status: criteria provided, single submitter. Criteria: LabCorp Variant Classification Summary - May 2015. Collection method: clinical testing. Allele origin: germline.
Comment: Variant summary: MMACHC c.445_446delTG (p.Cys149HisfsX32) results in a premature termination codon, predicted to cause a truncation of the encoded protein or absence of the protein, which are commonly known mechanisms for disease. The variant allele was found at a frequency of 1.6e-05 in 248772 control chromosomes. c.445_446delTG has been reported in the literature in multiple compound heterozygous individuals affected with Methylmalonic Acidemia With Homocystinuria (eg. Hu_2018, Wang_2015, Wang_2018). These data indicate that the variant is very likely to be associated with disease. The following publications have been ascertained in the context of this evaluation (PMID: 30157807, 26464686, 29374341). ClinVar contains an entry for this variant (Variation ID: 203834). Based on the evidence outlined above, the variant was classified as pathogenic.

Labcorp Genetics (formerly Invitae), Labcorp
Classification: Pathogenic for Cobalamin C disease. Last evaluated: 2024-03-13. Review status: criteria provided, single submitter. Criteria: Invitae Variant Classification Sherloc (09022015). Collection method: clinical testing. Allele origin: germline.
Comment: This sequence change creates a premature translational stop signal (p.Cys149Hisfs*32) in the MMACHC gene. While this is not anticipated to result in nonsense mediated decay, it is expected to disrupt the last 134 amino acid(s) of the MMACHC protein. This variant is present in population databases (rs777210603, gnomAD 0.009%). This premature translational stop signal has been observed in individual(s) with cobalamin C deficiency (PMID: 26464686, 30157807). In at least one individual the data is consistent with being in trans (on the opposite chromosome) from a pathogenic variant. This variant is also known as c.440_441del. ClinVar contains an entry for this variant (Variation ID: 203834). For these reasons, this variant has been classified as Pathogenic.

Blueprint Genetics
Classification: Pathogenic for MMACHC-related disorders. Last evaluated: 2023-10-05. Review status: criteria provided, single submitter. Criteria: ACMG Guidelines, 2015. Collection method: clinical testing. Allele origin: germline. Affected: yes. Observed: 3 variant alleles.

Genome-Nilou Lab
Classification: Pathogenic for Cobalamin C disease. Last evaluated: 2023-04-11. Review status: criteria provided, single submitter. Criteria: ACMG Guidelines, 2015. Collection method: clinical testing. Allele origin: germline. Affected: no.

Revvity Omics, Revvity
Classification: Pathogenic for Cobalamin C disease. Last evaluated: 2022-08-10. Review status: criteria provided, single submitter. Criteria: ACMG Guidelines, 2015. Collection method: clinical testing. Allele origin: germline.

GeneDx
Classification: Pathogenic. Last evaluated: 2014-10-16. Review status: criteria provided, single submitter. Criteria: GeneDx Variant Classification (06012015). Collection method: clinical testing. Allele origin: germline. Affected: yes.
Comment: The c.445_446delTG mutation in the MMACHC gene causes a frameshift starting with codon Cysteine 149, changes this amino acid to a Histidine residue and creates a premature Stop codon at position 32 of the new reading frame, denoted p.Cys149HisfsX32. This mutation is predicted to cause loss of normal protein function either through protein truncation or nonsense-mediated mRNA decay. Although this mutation has not been previously reported to our knowledge, its is predicted to be pathogenic. The variant is found in MMACHC panel(s).

Neurology Department, Peking University First Hospital
Classification: Uncertain significance for Methylmalonic acidemia with homocystinuria. Last evaluated: 2020-04-23. Review status: no assertion criteria provided. Collection method: research. Allele origin: germline. Affected: yes. Not counted in ClinVar's aggregate classification.

Literature cited by the submitters: PubMed 31278756 (cited by Natera, Inc.); PubMed 29374341 (cited by Natera, Inc. and Women's Health and Genetics/Laboratory Corporation of America, LabCorp); PubMed 30157807 (cited by Women's Health and Genetics/Laboratory Corporation of America, LabCorp and Labcorp Genetics (formerly Invitae), Labcorp); PubMed 26464686 (cited by Women's Health and Genetics/Laboratory Corporation of America, LabCorp and Labcorp Genetics (formerly Invitae), Labcorp).